The following is an entry in ClinVar:

NM_153610.5(CMYA5):c.5174C>T (p.Ser1725Leu)

Gene: CMYA5 (cardiomyopathy associated 5; plus strand). Cytogenetic location: 5q14.1.
Variant type: single nucleotide variant.
Coding change: c.5174C>T on transcript NM_153610.5 (MANE Select); coding-DNA position 5174, C replaced by T.
Protein change: p.Ser1725Leu; replaces serine 1725 with leucine.
Molecular consequence: missense variant.
Genome position (GRCh38, 1-based): chr5:79,733,939, C>T. VCF-style: chr5-79733939-C-T. GRCh37 (hg19) VCF-style: chr5-79029762-C-T.
Other names: short protein forms S1725L.
Identifiers: ClinVar variation 719904 (VCV000719904.28), dbSNP rs17254174, ClinGen allele CA3322069.

ClinVar aggregate classification (germline): Benign/Likely benign. Review status: criteria provided, multiple submitters, no conflicts (2 of 4 stars). 3 submissions from 3 submitters: Benign (2); Likely benign (1). Last evaluated 2023-03-01.

Allele frequency attached by ClinVar (database versions not stated): 1000 Genomes Project 30x 0.00219; TOPMed 0.00432; ESP Exome Variant Server 0.00538; ExAC 0.00668; gnomAD 0.01000.
gnomAD v4.1: 10,581 of 1,613,374 alleles (0.66%); highest among the groups gnomAD compares: Non-Finnish European, 0.66%; 78 homozygotes.

Submissions (3):

CeGaT Center for Human Genetics Tuebingen
Classification: Likely benign. Last evaluated: 2023-03-01. Review status: criteria provided, single submitter. Criteria: CeGaT Center For Human Genetics Tuebingen Variant Classification Criteria Version 2. Collection method: clinical testing. Allele origin: germline. Affected: yes. Observed: 1 variant allele.
Comment: CMYA5: BP4, BS2

Labcorp Genetics (formerly Invitae), Labcorp
Classification: Benign. Last evaluated: 2018-06-05. Review status: criteria provided, single submitter. Criteria: Invitae Variant Classification Sherloc (09022015). Collection method: clinical testing. Allele origin: germline.

Breakthrough Genomics
Classification: Benign. Review status: criteria provided, single submitter. Criteria: ACMG Guidelines, 2015. Collection method: not provided. Allele origin: germline. Inheritance: Unknown mechanism. Affected: yes.